The following is an entry in ClinVar:

ClinVar aggregate classification (germline): Pathogenic (1 of 4 stars; one submission).

Conditions:
Niemann-Pick disease, type C1. Also called: NEUROVISCERAL STORAGE DISEASE WITH VERTICAL SUPRANUCLEAR OPHTHALMOPLEGIA; NIEMANN-PICK DISEASE WITH CHOLESTEROL ESTERIFICATION BLOCK; NIEMANN-PICK DISEASE WITHOUT SPHINGOMYELINASE DEFICIENCY; NIEMANN-PICK DISEASE, CHRONIC NEURONOPATHIC FORM; NIEMANN-PICK DISEASE, VARIANT TYPE C1. Identifiers: Orphanet 646, MedGen C3179455, MONDO:0009757, OMIM 257220.

Submission:

Myriad Genetics, Inc.
Classification: Pathogenic for Niemann-Pick disease, type C1. Last evaluated: 2025-06-20. Review status: criteria provided, single submitter. Criteria: Myriad Autosomal Dominant, Autosomal Recessive and X-Linked Classification Criteria (2023). Collection method: clinical testing. Allele origin: unknown.
Comment: NM_000271.4(NPC1):c.2688dupG(H897Afs*21) is expected to be pathogenic in the context of Niemann-Pick disease type C1. This variant is predicted to lead to an abnormal or absent protein product due to the creation of a premature termination codon in NPC1, a gene where loss-of-function variants are known to be pathogenic. Please note: this variant was assessed in the context of healthy population screening.

NM_000271.5(NPC1):c.2688dup (p.His897fs)

Gene: NPC1 (NPC intracellular cholesterol transporter 1; minus strand). Cytogenetic location: 18q11.2.
Variant type: Duplication.
Coding change: c.2688dup on transcript NM_000271.5 (MANE Select); coding-DNA position 2688, one base duplicated (G; older notation c.2688dupG).
Protein change: p.His897fs; shifts the reading frame from histidine 897.
Molecular consequence: frameshift variant.
Genome position (GRCh38, 1-based): chr18:23,539,918, C duplicated on the plus strand (G on the coding strand, the reverse complement: NPC1 is on the minus strand); the first of 3 consecutive C bases (chr18:23,539,918-23,539,920); duplicating any one gives the same sequence. VCF-style (leftmost placement, unchanged base first): chr18-23539917-G-GC. GRCh37 (hg19) VCF-style: chr18-21119881-G-GC.
Other names: short protein forms H897fs.
Identifiers: ClinVar variation 5014620 (VCV005014620.1).